The following is an entry in ClinVar:

ClinVar aggregate classification (germline): Likely benign. Review status: criteria provided, multiple submitters, no conflicts (2 of 4 stars). 3 submissions from 3 submitters: Likely benign (3). Last evaluated 2026-03-19.

Conditions:
ATP6AP1-related disorder. Also called: ATP6AP1-related condition; ATP6AP1-related disorders.

Allele frequency attached by ClinVar (database versions not stated): TOPMed 0.00008; ESP Exome Variant Server 0.00009; gnomAD 0.00012; gnomAD exomes 0.00014; 1000 Genomes Project 30x 0.00021; 1000 Genomes Project 0.00026; ExAC 0.00002.
gnomAD v4.1: 161 of 1,210,134 alleles (0.013%); highest among the groups gnomAD compares: Non-Finnish European, 0.018%; no homozygotes.

Submissions (3):

PreventionGenetics, part of Exact Sciences
Classification: Likely benign for ATP6AP1-related condition. Last evaluated: 2026-03-19. Review status: criteria provided, single submitter. Criteria: ACMG Guidelines, 2015. Collection method: clinical testing. Allele origin: germline.
Comment: This variant is classified as likely benign based on ACMG/AMP sequence variant interpretation guidelines (Richards et al. 2015 PMID: 25741868, with internal and published modifications).

Labcorp Genetics (formerly Invitae), Labcorp
Classification: Likely benign. Last evaluated: 2025-12-31. Review status: criteria provided, single submitter. Criteria: Invitae Variant Classification Sherloc (09022015). Collection method: clinical testing. Allele origin: germline.

Blueprint Genetics
Classification: Likely benign. Last evaluated: 2021-04-20. Review status: criteria provided, single submitter. Criteria: ACMG Guidelines, 2015. Collection method: clinical testing. Allele origin: germline.

NM_001183.6(ATP6AP1):c.744G>A (p.Gln248=)

Gene: ATP6AP1 (ATPase H+ transporting accessory protein 1; plus strand). Cytogenetic location: Xq28.
Variant type: single nucleotide variant.
Coding change: c.744G>A on transcript NM_001183.6 (MANE Select); coding-DNA position 744, G replaced by A.
Protein change: p.Gln248=; no amino-acid change (glutamine 248 retained).
Molecular consequence: synonymous variant.
Genome position (GRCh38, 1-based): chrX:154,434,267, G>A. VCF-style: chrX-154434267-G-A. GRCh37 (hg19) VCF-style: chrX-153662613-G-A.
Other names: c.744G>A (NM_001183.5).
Identifiers: ClinVar variation 2970532 (VCV002970532.5), dbSNP rs201115233, ClinGen allele CA10562704.